The following is an entry in ClinVar:

NM_000051.4(ATM):c.2312T>G (p.Phe771Cys)

Gene: ATM (ATM serine/threonine kinase; plus strand). Cytogenetic location: 11q22.3.
Variant type: single nucleotide variant.
Coding change: c.2312T>G on transcript NM_000051.4 (MANE Select); coding-DNA position 2312, T replaced by G.
Protein change: p.Phe771Cys; replaces phenylalanine 771 with cysteine.
Molecular consequence: missense variant.
Genome position (GRCh38, 1-based): chr11:108,257,542, T>G. VCF-style: chr11-108257542-T-G. GRCh37 (hg19) VCF-style: chr11-108128269-T-G.
Other names: c.2312T>G, p.Phe771Cys (NM_001351834.2); short protein forms F771C.
Identifiers: ClinVar variation 1789460 (VCV001789460.2), dbSNP rs2135406946, ClinGen allele CA382539890.

ClinVar aggregate classification (germline): Uncertain significance (1 of 4 stars; one submission).

Conditions:
Hereditary cancer-predisposing syndrome. Also called: Hereditary Cancer Syndrome; Hereditary neoplastic syndrome; Tumor predisposition; Neoplastic Syndromes, Hereditary. Identifiers: Orphanet 140162, MedGen C0027672, MeSH D009386, MONDO:0015356.

Submission:

Ambry Genetics
Classification: Uncertain significance for Hereditary cancer-predisposing syndrome. Last evaluated: 2021-06-26. Review status: criteria provided, single submitter. Criteria: Ambry Variant Classification Scheme 2023. Collection method: clinical testing. Allele origin: germline.
Comment: The p.F771C variant (also known as c.2312T>G), located in coding exon 14 of the ATM gene, results from a T to G substitution at nucleotide position 2312. The phenylalanine at codon 771 is replaced by cysteine, an amino acid with highly dissimilar properties. This amino acid position is conserved. In addition, this alteration is predicted to be tolerated by in silico analysis. Since supporting evidence is limited at this time, the clinical significance of this alteration remains unclear.